The following is an entry in ClinVar:

NM_005334.3(HCFC1):c.5171A>G (p.Asn1724Ser)

Gene: HCFC1 (host cell factor C1; minus strand). Cytogenetic location: Xq28.
Variant type: single nucleotide variant.
Coding change: c.5171A>G on transcript NM_005334.3 (MANE Select); coding-DNA position 5171, A replaced by G.
Protein change: p.Asn1724Ser; replaces asparagine 1724 with serine.
Molecular consequence: missense variant.
Genome position (GRCh38, 1-based): chrX:153,951,930, T>C on the plus strand (A>G on the coding strand, the complement: HCFC1 is on the minus strand). VCF-style: chrX-153951930-T-C. GRCh37 (hg19) VCF-style: chrX-153217381-T-C.
Other names: c.5306A>G, p.Asn1769Ser (NM_001410705.1); short protein forms N1724S, N1769S.
Identifiers: ClinVar variation 2443511 (VCV002443511.1), dbSNP rs2521477947, ClinGen allele CA415106730.

ClinVar aggregate classification (germline): Uncertain significance (1 of 4 stars; one submission).

Allele frequency attached by ClinVar (database versions not stated): gnomAD exomes below 0.00001.
gnomAD v4.1: 2 of 1,188,562 alleles (0.00017%); highest among the groups gnomAD compares: Non-Finnish European, 0.00023%; no homozygotes.

Submission:

GeneDx
Classification: Uncertain significance. Last evaluated: 2022-09-07. Review status: criteria provided, single submitter. Criteria: GeneDx Variant Classification Process June 2021. Collection method: clinical testing. Allele origin: germline. Affected: yes.
Comment: Not observed at significant frequency in large population cohorts (gnomAD); In silico analysis supports that this missense variant has a deleterious effect on protein structure/function; Has not been previously published as pathogenic or benign to our knowledge